The following is an entry in ClinVar:

ClinVar aggregate classification (germline): Uncertain significance (1 of 4 stars; one submission).

Conditions:
Atrioventricular septal defect 5 (AVSD5). Identifiers: MedGen C3280939, MONDO:0013769, OMIM 614474.

gnomAD v4.1: 1 of 1,590,324 alleles (0.000063%); highest among the groups gnomAD compares: Non-Finnish European, 0.000085%; no homozygotes.

Submission:

Labcorp Genetics (formerly Invitae), Labcorp
Classification: Uncertain significance for Atrioventricular septal defect 5. Last evaluated: 2024-05-31. Review status: criteria provided, single submitter. Criteria: Invitae Variant Classification Sherloc (09022015). Collection method: clinical testing. Allele origin: germline.
Comment: This sequence change replaces glycine, which is neutral and non-polar, with serine, which is neutral and polar, at codon 55 of the GATA6 protein (p.Gly55Ser). The frequency data for this variant in the population databases is considered unreliable, as metrics indicate poor data quality at this position in the gnomAD database. This variant has not been reported in the literature in individuals affected with GATA6-related conditions. Algorithms developed to predict the effect of missense changes on protein structure and function output the following: SIFT: "Not Available"; PolyPhen-2: "Benign"; Align-GVGD: "Not Available". The serine amino acid residue is found in multiple mammalian species, which suggests that this missense change does not adversely affect protein function. In summary, the available evidence is currently insufficient to determine the role of this variant in disease. Therefore, it has been classified as a Variant of Uncertain Significance.

NM_005257.6(GATA6):c.163G>A (p.Gly55Ser)

Gene: GATA6 (GATA binding protein 6; plus strand). Cytogenetic location: 18q11.2.
Variant type: single nucleotide variant.
Coding change: c.163G>A on transcript NM_005257.6 (MANE Select); coding-DNA position 163, G replaced by A.
Protein change: p.Gly55Ser; replaces glycine 55 with serine.
Molecular consequence: missense variant.
Genome position (GRCh38, 1-based): chr18:22,171,307, G>A. VCF-style: chr18-22171307-G-A. GRCh37 (hg19) VCF-style: chr18-19751268-G-A.
Other names: short protein forms G55S.
Identifiers: ClinVar variation 3707818 (VCV003707818.2).